The following is an entry in ClinVar:

NM_001278716.2(FBXL4):c.1037T>C (p.Leu346Pro)

Gene: FBXL4 (F-box and leucine rich repeat protein 4; minus strand). Cytogenetic location: 6q16.2.
Variant type: single nucleotide variant.
Coding change: c.1037T>C on transcript NM_001278716.2 (MANE Select); coding-DNA position 1037, T replaced by C.
Protein change: p.Leu346Pro; replaces leucine 346 with proline.
Molecular consequence: missense variant. On other transcripts: non-coding transcript variant (2).
Genome position (GRCh38, 1-based): chr6:98,905,492, A>G on the plus strand (T>C on the coding strand, the complement: FBXL4 is on the minus strand). VCF-style: chr6-98905492-A-G. GRCh37 (hg19) VCF-style: chr6-99353368-A-G.
Other names: p.Leu346Pro; c.1037T>C, p.Leu346Pro (NM_012160.5); c.1037T>C (NM_012160.3, NM_012160.4); short protein forms L346P.
Identifiers: ClinVar variation 1384847 (VCV001384847.4), dbSNP rs186727069, ClinGen allele CA16021150.
Genomic context (GRCh38, chr6:98,905,492, plus strand): 5'-AATCCTGCAACAGAGATGAAGCCTCTATTGCCAGTCCAAGATAAATTAAGCCACTGGACA[A>G]GAGTGCAGCGAGACTGTAGAAATTCCAGAGAAGTGTCATCTAGTTTTGCCCAGTATGGTT-3'
Protein context (NP_001265645.1, residues 336-356): SLEFLQSRCT[Leu346Pro]VQWLNLSWTG

ClinVar aggregate classification (germline): Uncertain significance. Review status: criteria provided, multiple submitters, no conflicts (2 of 4 stars). 3 submissions from 3 submitters: Uncertain significance (3). Last evaluated 2023-06-28.

Allele frequency attached by ClinVar (database versions not stated): gnomAD 0.00002 and 0.00003; gnomAD exomes 0.00002 and 0.00004; TOPMed 0.00005; ESP Exome Variant Server 0.00008; 1000 Genomes Project 30x 0.00016; 1000 Genomes Project 0.00020.
gnomAD v4.1: 35 of 1,614,066 alleles (0.0022%); highest among the groups gnomAD compares: Admixed American, 0.012%; no homozygotes.

Submissions (3):

Mayo Clinic Laboratories, Mayo Clinic
Classification: Uncertain significance. Last evaluated: 2023-06-28. Review status: criteria provided, single submitter. Criteria: ACMG Guidelines, 2015. Collection method: clinical testing. Allele origin: germline. Observed: 1 variant allele.

Labcorp Genetics (formerly Invitae), Labcorp
Classification: Uncertain significance. Last evaluated: 2022-08-19. Review status: criteria provided, single submitter. Criteria: Invitae Variant Classification Sherloc (09022015). Collection method: clinical testing. Allele origin: germline.
Comment: This sequence change replaces leucine, which is neutral and non-polar, with proline, which is neutral and non-polar, at codon 346 of the FBXL4 protein (p.Leu346Pro). This variant is present in population databases (rs186727069, gnomAD 0.02%). This variant has not been reported in the literature in individuals affected with FBXL4-related conditions. ClinVar contains an entry for this variant (Variation ID: 1384847). Advanced modeling of protein sequence and biophysical properties (such as structural, functional, and spatial information, amino acid conservation, physicochemical variation, residue mobility, and thermodynamic stability) performed at Invitae indicates that this missense variant is expected to disrupt FBXL4 protein function. In summary, the available evidence is currently insufficient to determine the role of this variant in disease. Therefore, it has been classified as a Variant of Uncertain Significance.

GeneDx
Classification: Uncertain significance. Last evaluated: 2022-08-16. Review status: criteria provided, single submitter. Criteria: GeneDx Variant Classification Process June 2021. Collection method: clinical testing. Allele origin: germline. Affected: yes.
Comment: In silico analysis supports that this missense variant does not alter protein structure/function; Has not been previously published as pathogenic or benign to our knowledge